The following is an entry in ClinVar:

ClinVar aggregate classification (germline): Benign (1 of 4 stars; one submission).

Conditions:
Familial hemophagocytic lymphohistiocytosis 4 (FHL4). Also called: STX11-Related Familial Hemophagocytic Lymphohistiocytosis (STX11-fHLH). Identifiers: Orphanet 540, MedGen C1863728, MONDO:0011336, OMIM 603552.

Allele frequency attached by ClinVar (database versions not stated): TOPMed 0.04964; 1000 Genomes Project 0.05072; 1000 Genomes Project 30x 0.05247.
gnomAD v4.1: 6,598 of 152,106 alleles (4.3%); highest among the groups gnomAD compares: African/African-American, 15%; 488 homozygotes.

Submission:

Illumina Laboratory Services, Illumina
Classification: Benign for Familial hemophagocytic lymphohistiocytosis 4. Last evaluated: 2018-01-12. Review status: criteria provided, single submitter. Criteria: ICSL Variant Classification Criteria 13 December 2019. Collection method: clinical testing. Allele origin: germline.
Comment: This variant was observed in the ICSL laboratory as part of a predisposition screen in an ostensibly healthy population. It had not been previously curated by ICSL or reported in the Human Gene Mutation Database (HGMD: prior to June 1st, 2018), and was therefore a candidate for classification through an automated scoring system. Utilizing variant allele frequency, disease prevalence and penetrance estimates, and inheritance mode, an automated score was calculated to assess if this variant is too frequent to cause the disease. Based on the score and internal cut-off values, a variant classified as benign is not then subjected to further curation. The score for this variant resulted in a classification of benign for this disease.

NM_003764.4(STX11):c.*3214C>G

Gene: STX11 (syntaxin 11; plus strand). Cytogenetic location: 6q24.2.
Variant type: single nucleotide variant.
Coding change: c.*3214C>G on transcript NM_003764.4 (MANE Select); 3214 bases downstream of the stop codon, C replaced by G.
Molecular consequence: 3 prime UTR variant.
Genome position (GRCh38, 1-based): chr6:144,190,705, C>G. VCF-style: chr6-144190705-C-G. GRCh37 (hg19) VCF-style: chr6-144511842-C-G.
Other names: c.*3214C>G (LRG_113t1).
Identifiers: ClinVar variation 355647 (VCV000355647.5), dbSNP rs11963744, ClinGen allele CA10626161.
Genomic context (GRCh38, chr6:144,190,705, plus strand): 5'-CCAAACATGTCCTGAAGAAGAAATGAGATGTTCCACCAAAAACACGTAAGCAGGAAGCAG[C>G]TGTTCTGCTCAGCTTGGCAGGTGTTCTTTCCTAATTCTTCCCAAGCTGTGAGTCAGAAAG-3'